The following is an entry in ClinVar:

NM_001271.4(CHD2):c.682A>G (p.Lys228Glu)

Gene: CHD2 (chromodomain helicase DNA binding protein 2; plus strand). Cytogenetic location: 15q26.1.
Variant type: single nucleotide variant.
Coding change: c.682A>G on transcript NM_001271.4 (MANE Select); coding-DNA position 682, A replaced by G.
Protein change: p.Lys228Glu; replaces lysine 228 with glutamic acid.
Molecular consequence: missense variant.
Genome position (GRCh38, 1-based): chr15:92,939,708, A>G. VCF-style: chr15-92939708-A-G. GRCh37 (hg19) VCF-style: chr15-93482938-A-G.
Other names: c.682A>G, p.Lys228Glu (NM_001042572.3); short protein forms K228E.
Identifiers: ClinVar variation 2061245 (VCV002061245.4), dbSNP rs2053326308, ClinGen allele CA393900254.

ClinVar aggregate classification (germline): Uncertain significance (1 of 4 stars; one submission).

Conditions:
Developmental and epileptic encephalopathy 94 (DEE94). Also called: Epileptic encephalopathy, childhood-onset; CHD2-Related Neurodevelopmental Disorders. Identifiers: Orphanet 1942, Orphanet 2382, MedGen C3809278, MONDO:0014150, OMIM 615369.

Allele frequency attached by ClinVar (database versions not stated): gnomAD exomes below 0.00001.
gnomAD v4.1: 1 of 1,613,584 alleles (0.000062%); highest among the groups gnomAD compares: Non-Finnish European, 0.000085%; no homozygotes.

Submission:

Labcorp Genetics (formerly Invitae), Labcorp
Classification: Uncertain significance for Developmental and epileptic encephalopathy 94. Last evaluated: 2024-02-24. Review status: criteria provided, single submitter. Criteria: Invitae Variant Classification Sherloc (09022015). Collection method: clinical testing. Allele origin: germline.
Comment: This sequence change replaces lysine, which is basic and polar, with glutamic acid, which is acidic and polar, at codon 228 of the CHD2 protein (p.Lys228Glu). This variant is not present in population databases (gnomAD no frequency). This variant has not been reported in the literature in individuals affected with CHD2-related conditions. ClinVar contains an entry for this variant (Variation ID: 2061245). Advanced modeling of protein sequence and biophysical properties (such as structural, functional, and spatial information, amino acid conservation, physicochemical variation, residue mobility, and thermodynamic stability) performed at Invitae indicates that this missense variant is not expected to disrupt CHD2 protein function with a negative predictive value of 95%. In summary, the available evidence is currently insufficient to determine the role of this variant in disease. Therefore, it has been classified as a Variant of Uncertain Significance.